The following is an entry in ClinVar:

NM_001077418.3(TMEM231):c.664G>A (p.Val222Ile)

Gene: TMEM231 (transmembrane protein 231; minus strand). Cytogenetic location: 16q23.1.
Variant type: single nucleotide variant.
Coding change: c.664G>A on transcript NM_001077418.3 (MANE Select); coding-DNA position 664, G replaced by A.
Protein change: p.Val222Ile; replaces valine 222 with isoleucine.
Molecular consequence: missense variant. On other transcripts: non-coding transcript variant (1).
Genome position (GRCh38, 1-based): chr16:75,542,602, C>T on the plus strand (G>A on the coding strand, the complement: TMEM231 is on the minus strand). VCF-style: chr16-75542602-C-T. GRCh37 (hg19) VCF-style: chr16-75576500-C-T.
Other names: 751G-A; c.823G>A, p.Val275Ile (NM_001077416.2); short protein forms V275I, V222I.
Identifiers: ClinVar variation 64619 (VCV000064619.15), dbSNP rs397514753, ClinGen allele CA144704.

ClinVar aggregate classification (germline): Pathogenic/Likely pathogenic. Review status: criteria provided, multiple submitters, no conflicts (2 of 4 stars). 10 submissions from 9 submitters: Pathogenic (6); Likely pathogenic (1). 3 of the submissions do not count toward it. Last evaluated 2024-08-11.

Conditions:
TMEM231-related disorder. Also called: TMEM231-related condition.
Meckel syndrome, type 11 (MKS11). Identifiers: Orphanet 564, MedGen C3809352, MONDO:0014164, OMIM 615397.
Joubert syndrome 20 (JBTS20). Identifiers: Orphanet 475, MedGen C3554235, MONDO:0013994, OMIM 614970.
Meckel-Gruber syndrome. Also called: DYSENCEPHALIA SPLANCHNOCYSTICA; GRUBER SYNDROME; Dysencephalia splachnocystica. Identifiers: Orphanet 564, MedGen C0265215, MONDO:0018921.

Allele frequency attached by ClinVar (database versions not stated): gnomAD exomes below 0.00001; ExAC 0.00001; TOPMed 0.00003; gnomAD 0.00004 and 0.00005.
gnomAD v4.1: 14 of 1,613,498 alleles (0.00087%); highest among the groups gnomAD compares: African/African-American, 0.0093%; no homozygotes.

Submissions (10):

Labcorp Genetics (formerly Invitae), Labcorp
Classification: Pathogenic for Joubert syndrome 20; Meckel syndrome, type 11. Last evaluated: 2024-08-11. Review status: criteria provided, single submitter. Criteria: Invitae Variant Classification Sherloc (09022015). Collection method: clinical testing. Allele origin: germline.
Comment: This sequence change affects codon 275 of the TMEM231 mRNA. It is a 'silent' change, meaning that it does not change the encoded amino acid sequence of the TMEM231 protein. This variant also falls at the last nucleotide of exon 4, which is part of the consensus splice site for this exon. This variant is present in population databases (rs397514753, gnomAD 0.01%). This variant has been observed in individual(s) with Meckel syndromes (PMID: 23349226, 25869670, 27894351). ClinVar contains an entry for this variant (Variation ID: 64619). An algorithm developed to predict the effect of missense changes on protein structure and function outputs the following: PolyPhen-2: "Not Available". The isoleucine amino acid residue is found in multiple mammalian species, which suggests that this missense change does not adversely affect protein function. Variants that disrupt the consensus splice site are a relatively common cause of aberrant splicing (PMID: 17576681, 9536098). Studies have shown that this variant is associated with altered splicing resulting in multiple RNA products (PMID: 23349226). For these reasons, this variant has been classified as Pathogenic.

Fulgent Genetics
Classification: Pathogenic for Joubert syndrome 20; Meckel syndrome, type 11. Last evaluated: 2024-06-07. Review status: criteria provided, single submitter. Criteria: ACMG Guidelines, 2015. Collection method: clinical testing. Allele origin: germline.

Genomic Medicine Center of Excellence, King Faisal Specialist Hospital and Research Centre
Classification: Pathogenic for Joubert syndrome 20. Last evaluated: 2024-03-17. Review status: criteria provided, single submitter. Criteria: ACMG Guidelines, 2015. Collection method: research. Allele origin: germline.

Daryl Scott Lab, Baylor College of Medicine
Classification: Pathogenic for TMEM231-related disorder. Last evaluated: 2024-01-01. Review status: criteria provided, single submitter. Criteria: ACMG Guidelines, 2015. Collection method: clinical testing. Allele origin: biparental. Affected: yes. Observed: 2 homozygotes.
Comment: PVS1, PS3, PP3

Revvity Omics, Revvity
Classification: Likely pathogenic. Last evaluated: 2021-12-15. Review status: criteria provided, single submitter. Criteria: ACMG Guidelines, 2015. Collection method: clinical testing. Allele origin: germline.

Blueprint Genetics
Classification: Pathogenic for TMEM231-related disorders. Last evaluated: 2021-02-20. Review status: criteria provided, single submitter. Criteria: ACMG Guidelines, 2015. Collection method: clinical testing. Allele origin: germline. Affected: yes. Observed: 1 variant allele.

Baylor Genetics
Classification: Pathogenic for Meckel syndrome, type 11. Last evaluated: 2020-01-14. Review status: criteria provided, single submitter. Criteria: ACMG Guidelines, 2015. Collection method: clinical testing. Allele origin: unknown. Affected: yes.
Comment: This variant was determined to be pathogenic according to ACMG Guidelines, 2015 [PMID:25741868].

PreventionGenetics, part of Exact Sciences
Classification: Likely pathogenic for TMEM231-related condition. Last evaluated: 2024-02-19. Review status: no assertion criteria provided. Collection method: clinical testing. Allele origin: germline. Not counted in ClinVar's aggregate classification.
Comment: The TMEM231 c.823G>A variant is predicted to result in the amino acid substitution p.Val275Ile. This variant, reported as c.751G>A, was reported in the homozygous state in a fetus with Meckel-Gruber syndrome (Shaheen et al. 2013. PubMed ID: 23349226). The c.823G>A is the terminal nucleotide of exon 4 adjacent to the GT donor site. Functional studies found that this variant interferes with normal splicing (Shaheen et al. 2013. PubMed ID: 23349226; Maddirevula et al. 2020. PubMed ID: 32552793, Table S1). This variant is reported in 0.012% of alleles in individuals of African descent in gnomAD. This variant is interpreted as likely pathogenic.

Genomic Medicine Center of Excellence, King Faisal Specialist Hospital and Research Centre
Classification: Likely pathogenic for Meckel-Gruber syndrome. Last evaluated: 2014-12-01. Review status: no assertion criteria provided. Criteria: research. Collection method: research. Allele origin: germline. Affected: yes. Not counted in ClinVar's aggregate classification.

OMIM
Classification: Pathogenic for MECKEL SYNDROME, TYPE 11. Last evaluated: 2013-03-01. Review status: no assertion criteria provided. Collection method: literature only. Allele origin: germline. Not counted in ClinVar's aggregate classification.

Literature cited by the submitters: PubMed 23349226 (cited by Labcorp Genetics (formerly Invitae), Labcorp and OMIM); PubMed 25869670 (cited by Labcorp Genetics (formerly Invitae), Labcorp); PubMed 27894351 (cited by Labcorp Genetics (formerly Invitae), Labcorp); PubMed 17576681 (cited by Labcorp Genetics (formerly Invitae), Labcorp); PubMed 9536098 (cited by Labcorp Genetics (formerly Invitae), Labcorp); PubMed 25558065 (cited by Genomic Medicine Center of Excellence, King Faisal Specialist Hospital and Research Centre).